The following is an entry in ClinVar:

ClinVar aggregate classification (germline): Uncertain significance (1 of 4 stars; one submission).

Submission:

Labcorp Genetics (formerly Invitae), Labcorp
Classification: Uncertain significance. Last evaluated: 2024-11-28. Review status: criteria provided, single submitter. Criteria: Invitae Variant Classification Sherloc (09022015). Collection method: clinical testing. Allele origin: germline.
Comment: This sequence change replaces valine, which is neutral and non-polar, with alanine, which is neutral and non-polar, at codon 1231 of the CACNA1E protein (p.Val1231Ala). This variant is not present in population databases (gnomAD no frequency). This variant has not been reported in the literature in individuals affected with CACNA1E-related conditions. Invitae Evidence Modeling of protein sequence and biophysical properties (such as structural, functional, and spatial information, amino acid conservation, physicochemical variation, residue mobility, and thermodynamic stability) has been performed for this missense variant. However, the output from this modeling did not meet the statistical confidence thresholds required to predict the impact of this variant on CACNA1E protein function. In summary, the available evidence is currently insufficient to determine the role of this variant in disease. Therefore, it has been classified as a Variant of Uncertain Significance.

NM_001205293.3(CACNA1E):c.3692T>C (p.Val1231Ala)

Gene: CACNA1E (calcium voltage-gated channel subunit alpha1 E; plus strand). Cytogenetic location: 1q25.3.
Variant type: single nucleotide variant.
Coding change: c.3692T>C on transcript NM_001205293.3 (MANE Select); coding-DNA position 3692, T replaced by C.
Protein change: p.Val1231Ala; replaces valine 1231 with alanine.
Molecular consequence: missense variant.
Genome position (GRCh38, 1-based): chr1:181,739,226, T>C. VCF-style: chr1-181739226-T-C. GRCh37 (hg19) VCF-style: chr1-181708362-T-C.
Other names: c.3692T>C, p.Val1231Ala (NM_000721.4); c.3635T>C, p.Val1212Ala (NM_001205294.2); short protein forms V1212A, V1231A.
Identifiers: ClinVar variation 3603925 (VCV003603925.2).
Genomic context (GRCh38, chr1:181,739,226, plus strand): 5'-TCCTGCAGGATGGGTCCTACTTCCGAGACTTGTGGAACATCCTGGACTTTGTGGTGGTCG[T>C]TGGCGCATTGGTGGCCTTTGCTCTGGCGTAAGTGACTCTTTTCATATTTGATTCCCTTCC-3'
Protein context (NP_001192222.1, residues 1221-1241): LWNILDFVVV[Val1231Ala]GALVAFALAN